The following is an entry in ClinVar:

ClinVar aggregate classification (germline): Uncertain significance (1 of 4 stars; one submission).

Conditions:
Early-infantile DEE. Also called: Ohtahara syndrome; Early infantile epileptic encephalopathy with suppression bursts; Early infantile epileptic encephalopathy. Identifiers: Orphanet 1934, MedGen C0393706, MONDO:0800491.

Submission:

Labcorp Genetics (formerly Invitae), Labcorp
Classification: Uncertain significance for Early-infantile DEE. Last evaluated: 2023-11-18. Review status: criteria provided, single submitter. Criteria: Invitae Variant Classification Sherloc (09022015). Collection method: clinical testing. Allele origin: germline.
Comment: This sequence change replaces arginine, which is basic and polar, with serine, which is neutral and polar, at codon 285 of the ARHGEF15 protein (p.Arg285Ser). Information on the frequency of this variant in the gnomAD database is not available, as this variant may be reported differently in the database. This variant has not been reported in the literature in individuals affected with ARHGEF15-related conditions. ClinVar contains an entry for this variant (Variation ID: 847120). Experimental studies and prediction algorithms are not available or were not evaluated, and the functional significance of this variant is currently unknown. In summary, the available evidence is currently insufficient to determine the role of this variant in disease. Therefore, it has been classified as a Variant of Uncertain Significance.

NM_173728.4(ARHGEF15):c.852_853delinsAA (p.Arg285Ser)

Gene: ARHGEF15 (Rho guanine nucleotide exchange factor 15; plus strand). Cytogenetic location: 17p13.1.
Variant type: Indel.
Coding change: c.852_853delinsAA on transcript NM_173728.4 (MANE Select); coding-DNA positions 852 to 853, TC replaced by AA.
Protein change: p.Arg285Ser; replaces arginine 285 with serine.
Molecular consequence: missense variant.
Genome position (GRCh38, 1-based): chr17:8,313,172-8,313,173, TC replaced by AA. VCF-style: chr17-8313172-TC-AA. GRCh37 (hg19) VCF-style: chr17-8216490-TC-AA.
Other names: c.852_853delinsAA, p.Arg285Ser (NM_025014.2); short protein forms R285S.
Identifiers: ClinVar variation 847120 (VCV000847120.10), dbSNP rs1904775010, ClinGen allele CA916083530.